The following is an entry in ClinVar:

ClinVar aggregate classification (germline): Uncertain significance (1 of 4 stars; one submission).

Submission:

Ambry Genetics
Classification: Uncertain significance. Last evaluated: 2025-04-01. Review status: criteria provided, single submitter. Criteria: Ambry Variant Classification Scheme 2023. Collection method: clinical testing. Allele origin: germline.
Comment: The p.P329A variant (also known as c.985C>G), located in coding exon 9 of the RAD51B gene, results from a C to G substitution at nucleotide position 985. The proline at codon 329 is replaced by alanine, an amino acid with highly similar properties. This amino acid position is conserved. In addition, this alteration is predicted to be tolerated by in silico analysis. Based on the available evidence, the clinical significance of this variant remains unclear.

NM_133510.4(RAD51B):c.985C>G (p.Pro329Ala)

Gene: RAD51B (RAD51 paralog B; plus strand). Cytogenetic location: 14q24.1.
Variant type: single nucleotide variant.
Coding change: c.985C>G on transcript NM_133510.4 (MANE Select); coding-DNA position 985, C replaced by G.
Protein change: p.Pro329Ala; replaces proline 329 with alanine.
Molecular consequence: missense variant.
Genome position (GRCh38, 1-based): chr14:68,468,199, C>G. VCF-style: chr14-68468199-C-G. GRCh37 (hg19) VCF-style: chr14-68934916-C-G.
Other names: c.985C>G, p.Pro329Ala (NM_001321809.2, NM_001321810.2, NM_001321812.1 and 6 more transcripts); c.871C>G, p.Pro291Ala (NM_001321815.1); c.628C>G, p.Pro210Ala (NM_001321817.2); short protein forms P291A, P210A, P329A.
Identifiers: ClinVar variation 3942282 (VCV003942282.1).